The following is an entry in ClinVar:

ClinVar aggregate classification (germline): Uncertain significance. Review status: criteria provided, multiple submitters, no conflicts (2 of 4 stars). 2 submissions from 2 submitters: Uncertain significance (2). Last evaluated 2024-11-25.

Conditions:
Inborn genetic diseases. Identifiers: MedGen C0950123, MeSH D030342.
Fanconi anemia (FA). Also called: Fanconi's anemia. Identifiers: Orphanet 84, MedGen C0015625, MeSH D005199, MONDO:0019391.

Submissions (2):

Ambry Genetics
Classification: Uncertain significance for Inborn genetic diseases. Last evaluated: 2024-11-25. Review status: criteria provided, single submitter. Criteria: Ambry Variant Classification Scheme 2023. Collection method: clinical testing. Allele origin: germline.
Comment: The p.L1454P variant (also known as c.4361T>C), located in coding exon 43 of the FANCA gene, results from a T to C substitution at nucleotide position 4361. The leucine at codon 1454 is replaced by proline, an amino acid with similar properties. This amino acid position is conserved. In addition, the in silico prediction for this alteration is inconclusive. Based on the available evidence, the clinical significance of this variant remains unclear.

Labcorp Genetics (formerly Invitae), Labcorp
Classification: Uncertain significance for Fanconi anemia. Last evaluated: 2021-03-22. Review status: criteria provided, single submitter. Criteria: Invitae Variant Classification Sherloc (09022015). Collection method: clinical testing. Allele origin: germline.
Comment: This variant has not been reported in the literature in individuals with FANCA-related conditions. In summary, the available evidence is currently insufficient to determine the role of this variant in disease. Therefore, it has been classified as a Variant of Uncertain Significance. Advanced modeling of protein sequence and biophysical properties (such as structural, functional, and spatial information, amino acid conservation, physicochemical variation, residue mobility, and thermodynamic stability) performed at Invitae indicates that this missense variant is expected to disrupt FANCA protein function. This variant is not present in population databases (ExAC no frequency). This sequence change replaces leucine with proline at codon 1454 of the FANCA protein (p.Leu1454Pro). The leucine residue is moderately conserved and there is a moderate physicochemical difference between leucine and proline.

NM_000135.4(FANCA):c.4361T>C (p.Leu1454Pro)

Genes: ZNF276 (zinc finger protein 276; plus strand), FANCA (FA complementation group A; minus strand). Cytogenetic location: 16q24.3.
Variant type: single nucleotide variant.
Coding change: c.4361T>C on transcript NM_000135.4 (MANE Select); coding-DNA position 4361, T replaced by C.
Protein change: p.Leu1454Pro; replaces leucine 1454 with proline.
Molecular consequence: missense variant. On other transcripts: 3 prime UTR variant (3), non-coding transcript variant (4).
Genome position (GRCh38, 1-based): chr16:89,738,608, A>G on the plus strand (T>C on the coding strand, the complement: FANCA is on the minus strand). VCF-style: chr16-89738608-A-G. GRCh37 (hg19) VCF-style: chr16-89805016-A-G.
Other names: c.*90T>C (NM_001286167.3); c.*362A>G (NM_001113525.2, NM_152287.4); short protein forms L1454P.
Identifiers: ClinVar variation 1478980 (VCV001478980.9), dbSNP rs2151709628, ClinGen allele CA397482944.